The following is an entry in ClinVar:

NM_024753.5(TTC21B):c.2509C>G (p.Leu837Val)

Gene: TTC21B (tetratricopeptide repeat domain 21B; minus strand). Cytogenetic location: 2q24.3.
Variant type: single nucleotide variant.
Coding change: c.2509C>G on transcript NM_024753.5 (MANE Select); coding-DNA position 2509, C replaced by G.
Protein change: p.Leu837Val; replaces leucine 837 with valine.
Molecular consequence: missense variant.
Genome position (GRCh38, 1-based): chr2:165,907,737, G>C on the plus strand (C>G on the coding strand, the complement: TTC21B is on the minus strand). VCF-style: chr2-165907737-G-C. GRCh37 (hg19) VCF-style: chr2-166764247-G-C.
Other names: c.2509C>G (NM_024753.4); short protein forms L837V.
Identifiers: ClinVar variation 3584608 (VCV003584608.3).

ClinVar aggregate classification (germline): Uncertain significance. Review status: criteria provided, multiple submitters, no conflicts (2 of 4 stars). 3 submissions from 3 submitters: Uncertain significance (3). Last evaluated 2025-10-21.

Conditions:
Nephronophthisis 12 (NPHP12). Identifiers: Orphanet 655, MedGen C3151186, MONDO:0013442, OMIM 613820.
Asphyxiating thoracic dystrophy 4 (SRTD4). Also called: SHORT-RIB THORACIC DYSPLASIA 4 WITH OR WITHOUT POLYDACTYLY; SHORT-RIB THORACIC DYSPLASIA 4. Identifiers: Orphanet 474, MedGen C3151185, MONDO:0013441, OMIM 613819.
TTC21B-related disorder. Also called: TTC21B-related disorders; TTC21B-related condition.

Submissions (3):

PreventionGenetics, part of Exact Sciences
Classification: Uncertain significance for TTC21B-related condition. Last evaluated: 2025-10-21. Review status: criteria provided, single submitter. Criteria: ACMG Guidelines, 2015. Collection method: clinical testing. Allele origin: germline.
Comment: The TTC21B c.2509C>G variant is predicted to result in the amino acid substitution p.Leu837Val. To our knowledge, this variant has not been reported in the literature or in a large population database (gnomAD), indicating this variant is rare. At this time, the clinical significance of this variant is uncertain due to the absence of conclusive functional and genetic evidence.

Fulgent Genetics
Classification: Uncertain significance for Asphyxiating thoracic dystrophy 4; Nephronophthisis 12. Last evaluated: 2024-06-17. Review status: criteria provided, single submitter. Criteria: ACMG Guidelines, 2015. Collection method: clinical testing. Allele origin: germline.

Blueprint Genetics
Classification: Uncertain significance. Last evaluated: 2018-11-20. Review status: criteria provided, single submitter. Criteria: ACMG Guidelines, 2015. Collection method: clinical testing. Allele origin: germline.